The following is an entry in ClinVar:

ClinVar aggregate classification (germline): Uncertain significance (1 of 4 stars; one submission).

Conditions:
Charcot-Marie-Tooth disease type 2R. Also called: CHARCOT-MARIE-TOOTH NEUROPATHY, TYPE 2R; CHARCOT-MARIE-TOOTH DISEASE, AXONAL, AUTOSOMAL RECESSIVE, TYPE 2R; Charcot-Marie-Tooth disease, axonal, type 2R. Identifiers: Orphanet 397968, MedGen C3809655, MONDO:0014208, OMIM 615490.

Allele frequency attached by ClinVar (database versions not stated): ExAC 0.00001; gnomAD 0.00001; gnomAD exomes 0.00001 and 0.00002; TOPMed 0.00001.
gnomAD v4.1: 20 of 1,613,930 alleles (0.0012%); highest among the groups gnomAD compares: South Asian, 0.0011%; no homozygotes.

Submission:

Labcorp Genetics (formerly Invitae), Labcorp
Classification: Uncertain significance for Charcot-Marie-Tooth disease type 2R. Last evaluated: 2025-05-03. Review status: criteria provided, single submitter. Criteria: Invitae Variant Classification Sherloc (09022015). Collection method: clinical testing. Allele origin: germline.
Comment: This sequence change replaces methionine, which is neutral and non-polar, with isoleucine, which is neutral and non-polar, at codon 344 of the TRIM2 protein (p.Met344Ile). This variant is present in population databases (rs761644850, gnomAD 0.05%). This variant has not been reported in the literature in individuals affected with TRIM2-related conditions. ClinVar contains an entry for this variant (Variation ID: 1497278). An algorithm developed to predict the effect of missense changes on protein structure and function (PolyPhen-2) suggests that this variant is likely to be tolerated. In summary, the available evidence is currently insufficient to determine the role of this variant in disease. Therefore, it has been classified as a Variant of Uncertain Significance.

NM_015271.5(TRIM2):c.1113G>A (p.Met371Ile)

Gene: TRIM2 (tripartite motif containing 2; plus strand). Cytogenetic location: 4q31.3.
Variant type: single nucleotide variant.
Coding change: c.1113G>A on transcript NM_015271.5 (MANE Select); coding-DNA position 1113, G replaced by A.
Protein change: p.Met371Ile; replaces methionine 371 with isoleucine.
Molecular consequence: missense variant.
Genome position (GRCh38, 1-based): chr4:153,295,639, G>A. VCF-style: chr4-153295639-G-A. GRCh37 (hg19) VCF-style: chr4-154216791-G-A.
Other names: c.1032G>A, p.Met344Ile (NM_001130067.2, NM_001351056.2, NM_001375512.1 and 5 more transcripts); c.1086G>A, p.Met362Ile (NM_001351054.2); c.1083G>A, p.Met361Ile (NM_001351055.2); c.657G>A, p.Met219Ile (NM_001351057.2); c.1206G>A, p.Met402Ile (NM_001375488.1); c.1203G>A, p.Met401Ile (NM_001375489.1); c.1056G>A, p.Met352Ile (NM_001375490.1); c.1053G>A, p.Met351Ile (NM_001375491.1); and 3 more; short protein forms M259I, M361I, M362I, M401I, M402I, M219I, M258I, M352I.
Identifiers: ClinVar variation 1497278 (VCV001497278.8), dbSNP rs761644850, ClinGen allele CA3108687.